The following is an entry in ClinVar:

NM_001846.4(COL4A2):c.3042A>C (p.Pro1014=)

Gene: COL4A2 (collagen type IV alpha 2 chain; plus strand). Cytogenetic location: 13q34.
Variant type: single nucleotide variant.
Coding change: c.3042A>C on transcript NM_001846.4 (MANE Select); coding-DNA position 3042, A replaced by C.
Protein change: p.Pro1014=; no amino-acid change (proline 1014 retained).
Molecular consequence: synonymous variant.
Genome position (GRCh38, 1-based): chr13:110,485,671, A>C. VCF-style: chr13-110485671-A-C. GRCh37 (hg19) VCF-style: chr13-111138018-A-C.
Identifiers: ClinVar variation 882815 (VCV000882815.16), dbSNP rs200384476, ClinGen allele CA7050076.

ClinVar aggregate classification (germline): Benign/Likely benign. Review status: criteria provided, multiple submitters, no conflicts (2 of 4 stars). 3 submissions from 3 submitters: Benign (2); Likely benign (1). Last evaluated 2025-10-13.

Conditions:
Brain small vessel disease 2A, autosomal dominant. Also called: Porencephaly 2. Identifiers: Orphanet 2940, Orphanet 99810, MedGen C3280970, MONDO:0013773, OMIM 614483.

Allele frequency attached by ClinVar (database versions not stated): TOPMed 0.00003; ESP Exome Variant Server 0.00008; 1000 Genomes Project 30x 0.00047; gnomAD exomes 0.00052 and 0.00136; 1000 Genomes Project 0.00060; ExAC 0.00101; gnomAD 0.00115 and 0.00120.
gnomAD v4.1: 926 of 1,601,938 alleles (0.058%); highest among the groups gnomAD compares: Non-Finnish European, 0.006%; 2 homozygotes.

Submissions (3):

Labcorp Genetics (formerly Invitae), Labcorp
Classification: Benign. Last evaluated: 2025-10-13. Review status: criteria provided, single submitter. Criteria: Invitae Variant Classification Sherloc (09022015). Collection method: clinical testing. Allele origin: germline.

Blueprint Genetics
Classification: Likely benign. Last evaluated: 2024-09-20. Review status: criteria provided, single submitter. Criteria: ACMG Guidelines, 2015. Collection method: clinical testing. Allele origin: germline.

Illumina Laboratory Services, Illumina
Classification: Benign for Brain small vessel disease 2A, autosomal dominant. Last evaluated: 2018-01-13. Review status: criteria provided, single submitter. Criteria: ICSL Variant Classification Criteria 13 December 2019. Collection method: clinical testing. Allele origin: germline.
Comment: This variant was observed in the ICSL laboratory as part of a predisposition screen in an ostensibly healthy population. It had not been previously curated by ICSL or reported in the Human Gene Mutation Database (HGMD: prior to June 1st, 2018), and was therefore a candidate for classification through an automated scoring system. Utilizing variant allele frequency, disease prevalence and penetrance estimates, and inheritance mode, an automated score was calculated to assess if this variant is too frequent to cause the disease. Based on the score and internal cut-off values, a variant classified as benign is not then subjected to further curation. The score for this variant resulted in a classification of benign for this disease.